The following is an entry in ClinVar:

NM_005120.3(MED12):c.4975G>A (p.Asp1659Asn)

Gene: MED12 (mediator complex subunit 12; plus strand). Cytogenetic location: Xq13.1.
Variant type: single nucleotide variant.
Coding change: c.4975G>A on transcript NM_005120.3 (MANE Select); coding-DNA position 4975, G replaced by A.
Protein change: p.Asp1659Asn; replaces aspartic acid 1659 with asparagine.
Molecular consequence: missense variant.
Genome position (GRCh38, 1-based): chrX:71,135,203, G>A. VCF-style: chrX-71135203-G-A. GRCh37 (hg19) VCF-style: chrX-70355053-G-A.
Other names: short protein forms D1659N.
Identifiers: ClinVar variation 3781228 (VCV003781228.2).

ClinVar aggregate classification (germline): Uncertain significance (1 of 4 stars; one submission).

gnomAD v4.1: 1 of 1,211,482 alleles (0.000083%); no homozygotes.

Submission:

GeneDx
Classification: Uncertain significance. Last evaluated: 2026-01-14. Review status: criteria provided, single submitter. Criteria: GeneDx Variant Classification Process June 2021. Collection method: clinical testing. Allele origin: germline. Affected: yes.
Comment: Not observed at significant frequency in large population cohorts (gnomAD); In silico analysis supports that this missense variant has a deleterious effect on protein structure/function; Has not been previously published as pathogenic or benign to our knowledge